The following is an entry in ClinVar:

ClinVar aggregate classification (germline): Uncertain significance (1 of 4 stars; one submission).

Conditions:
Heterotopia, periventricular, X-linked dominant (PVNH1). Also called: PERIVENTRICULAR NODULAR HETEROTOPIA 1; X-linked periventricular heterotopia; PERIVENTRICULAR NODULAR HETEROTOPIA 4; HETEROTOPIA, PERIVENTRICULAR, 1. Identifiers: Orphanet 2149, Orphanet 82004, MedGen C1848213, MONDO:0010233, OMIM 300049.
Oto-palato-digital syndrome, type II (OPD2). Also called: OPD II SYNDROME; Otopalatodigital Syndrome, Type II; Otopalatodigital Syndrome Type 2 (FLNA-OPD2); FACIOPALATOOSSEOUS SYNDROME. Identifiers: Orphanet 669, Orphanet 90652, MedGen C1844696, MONDO:0010571, OMIM 304120.
Melnick-Needles syndrome (MNS). Also called: MELNICK-NEEDLES OSTEODYSPLASTY; OSTEODYSPLASTY OF MELNICK AND NEEDLES; Melnick-Needles Syndrome (FLNA-MNS). Identifiers: Orphanet 2484, MedGen C0025237, MONDO:0010650, OMIM 309350.
Frontometaphyseal dysplasia (FMD1). Identifiers: Orphanet 1826, MedGen C0265293, MONDO:0015942.

Submission:

Labcorp Genetics (formerly Invitae), Labcorp
Classification: Uncertain significance for Oto-palato-digital syndrome, type II; Heterotopia, periventricular, X-linked dominant; Frontometaphyseal dysplasia; Melnick-Needles syndrome. Last evaluated: 2021-02-22. Review status: criteria provided, single submitter. Criteria: Invitae Variant Classification Sherloc (09022015). Collection method: clinical testing. Allele origin: germline.
Comment: This sequence change replaces glycine with arginine at codon 778 of the FLNA protein (p.Gly778Arg). The glycine residue is highly conserved and there is a moderate physicochemical difference between glycine and arginine. This variant is not present in population databases (ExAC no frequency). This variant has not been reported in the literature in individuals with FLNA-related conditions. Algorithms developed to predict the effect of missense changes on protein structure and function (SIFT, PolyPhen-2, Align-GVGD) all suggest that this variant is likely to be disruptive, but these predictions have not been confirmed by published functional studies and their clinical significance is uncertain. In summary, the available evidence is currently insufficient to determine the role of this variant in disease. Therefore, it has been classified as a Variant of Uncertain Significance.

NM_001110556.2(FLNA):c.2332G>A (p.Gly778Arg)

Gene: FLNA (filamin A; minus strand). Cytogenetic location: Xq28.
Variant type: single nucleotide variant.
Coding change: c.2332G>A on transcript NM_001110556.2 (MANE Select); coding-DNA position 2332, G replaced by A.
Protein change: p.Gly778Arg; replaces glycine 778 with arginine.
Molecular consequence: missense variant.
Genome position (GRCh38, 1-based): chrX:154,362,733, C>T on the plus strand (G>A on the coding strand, the complement: FLNA is on the minus strand). VCF-style: chrX-154362733-C-T. GRCh37 (hg19) VCF-style: chrX-153591101-C-T.
Other names: c.2332G>A, p.Gly778Arg (NM_001456.4); short protein forms G778R.
Identifiers: ClinVar variation 1345937 (VCV001345937.8), dbSNP rs2148114671, ClinGen allele CA415237489.